The following is an entry in ClinVar:

NM_020975.6(RET):c.2328C>G (p.Phe776Leu)

Gene: RET (ret proto-oncogene; plus strand). Cytogenetic location: 10q11.21.
Variant type: single nucleotide variant.
Coding change: c.2328C>G on transcript NM_020975.6 (MANE Select); coding-DNA position 2328, C replaced by G.
Protein change: p.Phe776Leu; replaces phenylalanine 776 with leucine.
Molecular consequence: missense variant.
Genome position (GRCh38, 1-based): chr10:43,118,416, C>G. VCF-style: chr10-43118416-C-G. GRCh37 (hg19) VCF-style: chr10-43613864-C-G.
Other names: c.1566C>G, p.Phe522Leu (NM_001355216.2); c.2328C>G, p.Phe776Leu (NM_001406743.1, NM_001406744.1, NM_001406759.1 and 2 more transcripts); c.2040C>G, p.Phe680Leu (NM_001406770.1, NM_001406766.1, NM_001406767.1); c.1890C>G, p.Phe630Leu (NM_001406771.1, NM_001406773.1); c.1932C>G, p.Phe644Leu (NM_001406772.1, NM_001406769.1); c.1803C>G, p.Phe601Leu (NM_001406774.1); c.1602C>G, p.Phe534Leu (NM_001406775.1, NM_001406776.1, NM_001406777.1 and 1 more transcripts); c.1143C>G, p.Phe381Leu (NM_001406789.1, NM_001406790.1, NM_001406788.1); and 10 more; short protein forms F293L, F341L, F381L, F432L, F434L, F437L, F446L, F477L.
Identifiers: ClinVar variation 4863242 (VCV004863242.1).

ClinVar aggregate classification (germline): Uncertain significance (1 of 4 stars; one submission).

Conditions:
Hereditary cancer-predisposing syndrome. Also called: Neoplastic Syndromes, Hereditary; Tumor predisposition; Hereditary Cancer Syndrome; Hereditary neoplastic syndrome. Identifiers: Orphanet 140162, MedGen C0027672, MeSH D009386, MONDO:0015356.

gnomAD v4.1: 1 of 1,614,152 alleles (0.000062%); highest among the groups gnomAD compares: Non-Finnish European, 0.000085%; no homozygotes.

Submission:

Ambry Genetics
Classification: Uncertain significance for Hereditary cancer-predisposing syndrome. Last evaluated: 2026-03-26. Review status: criteria provided, single submitter. Criteria: Ambry Variant Classification Scheme 2023. Collection method: clinical testing. Allele origin: germline.
Comment: The p.F776L variant (also known as c.2328C>G), located in coding exon 13 of the RET gene, results from a C to G substitution at nucleotide position 2328. The phenylalanine at codon 776 is replaced by leucine, an amino acid with highly similar properties. This amino acid position is highly conserved in available vertebrate species. In addition, the in silico prediction for this alteration is inconclusive. Based on the available evidence, the clinical significance of this variant remains unclear.